The following is an entry in ClinVar:

NM_015443.4(KANSL1):c.1431+13T>G

Gene: KANSL1 (KAT8 regulatory NSL complex subunit 1). Cytogenetic location: 17q21.31.
Variant type: single nucleotide variant.
Coding change: c.1431+13T>G on transcript NM_015443.4 (MANE Select); 13 bases into the intron after coding-DNA position 1431, T replaced by G.
Molecular consequence: intron variant.
Genome position (GRCh38, 1-based): chr17:46,094,547, A>C on the plus strand (T>G on the coding strand, the complement: KANSL1 is on the minus strand). VCF-style: chr17-46094547-A-C. GRCh37 (hg19) VCF-style: chr17-44171913-A-C.
Other names: c.1431+13T>G (NM_001193465.2, NM_001379198.1, NM_001193466.2).
Identifiers: ClinVar variation 377990 (VCV000377990.2), dbSNP rs1057520294, ClinGen allele CA16607677.
Genomic context (GRCh38, chr17:46,094,547, plus strand): 5'-GGGAGGGGATGTGAGAAAAGCGATATTGATAGTTTTCGGCAGCATTTAAAAACATCAGAT[A>C]CTTATCCCTTACCTTATTAGCACGTATCTGTTTGTAAATGTCTGTTTGCTGACGAATTCG-3'

ClinVar aggregate classification (germline): Likely benign. Review status: criteria provided, multiple submitters, no conflicts (2 of 4 stars). 2 submissions from 2 submitters: Likely benign (2). Last evaluated 2022-12-09.

Allele frequency attached by ClinVar (database versions not stated): gnomAD exomes below 0.00001; gnomAD 0.00001; TOPMed 0.00001.
gnomAD v4.1: 4 of 1,607,710 alleles (0.00025%); highest among the groups gnomAD compares: African/African-American, 0.004%; no homozygotes.

Submissions (2):

Blueprint Genetics
Classification: Likely benign. Last evaluated: 2022-12-09. Review status: criteria provided, single submitter. Criteria: ACMG Guidelines, 2015. Collection method: clinical testing. Allele origin: germline.

GeneDx
Classification: Likely benign. Last evaluated: 2016-10-26. Review status: criteria provided, single submitter. Criteria: GeneDx Variant Classification (06012015). Collection method: clinical testing. Allele origin: germline. Affected: yes.
Comment: This variant is considered likely benign or benign based on one or more of the following criteria: it is a conservative change, it occurs at a poorly conserved position in the protein, it is predicted to be benign by multiple in silico algorithms, and/or has population frequency not consistent with disease.